The following is an entry in ClinVar:

ClinVar aggregate classification (germline): Uncertain significance. Review status: criteria provided, multiple submitters, no conflicts (2 of 4 stars). 3 submissions from 3 submitters: Uncertain significance (3). Last evaluated 2026-06-03.

Conditions:
AKR1C4-related disorder. Also called: AKR1C4-related condition.

Allele frequency attached by ClinVar (database versions not stated): gnomAD exomes 0.00010; ExAC 0.00016; ESP Exome Variant Server 0.00038; 1000 Genomes Project 0.00040; gnomAD 0.00045; TOPMed 0.00045; 1000 Genomes Project 30x 0.00047.

Submissions (3):

PreventionGenetics, part of Exact Sciences
Classification: Uncertain significance for AKR1C4-related condition. Last evaluated: 2026-06-03. Review status: criteria provided, single submitter. Criteria: ACMG Guidelines, 2015. Collection method: clinical testing. Allele origin: germline.
Comment: The AKR1C4 c.788G>A variant is predicted to result in the amino acid substitution p.Arg263His. To our knowledge, this variant has not been reported in the literature. This variant is reported in 0.11% of alleles in individuals of African descent in gnomAD. Although we suspect that this variant may be benign, at this time, the clinical significance of this variant is uncertain due to the absence of conclusive functional and genetic evidence.

Labcorp Genetics (formerly Invitae), Labcorp
Classification: Uncertain significance. Last evaluated: 2025-06-12. Review status: criteria provided, single submitter. Criteria: Invitae Variant Classification Sherloc (09022015). Collection method: clinical testing. Allele origin: germline.
Comment: This sequence change replaces arginine, which is basic and polar, with histidine, which is basic and polar, at codon 263 of the AKR1C4 protein (p.Arg263His). This variant is present in population databases (rs147757734, gnomAD 0.1%), and has an allele count higher than expected for a pathogenic variant. This variant has not been reported in the literature in individuals affected with AKR1C4-related conditions. ClinVar contains an entry for this variant (Variation ID: 2866902). Invitae Evidence Modeling of protein sequence and biophysical properties (such as structural, functional, and spatial information, amino acid conservation, physicochemical variation, residue mobility, and thermodynamic stability) indicates that this missense variant is expected to disrupt AKR1C4 protein function with a positive predictive value of 80%. In summary, the available evidence is currently insufficient to determine the role of this variant in disease. Therefore, it has been classified as a Variant of Uncertain Significance.

Ambry Genetics
Classification: Uncertain significance. Last evaluated: 2024-09-03. Review status: criteria provided, single submitter. Criteria: Ambry Variant Classification Scheme 2023. Collection method: clinical testing. Allele origin: germline.

NM_001818.5(AKR1C4):c.788G>A (p.Arg263His)

Gene: AKR1C4 (aldo-keto reductase family 1 member C4; plus strand). Cytogenetic location: 10p15.1.
Variant type: single nucleotide variant.
Coding change: c.788G>A on transcript NM_001818.5 (MANE Select); coding-DNA position 788, G replaced by A.
Protein change: p.Arg263His; replaces arginine 263 with histidine.
Molecular consequence: missense variant.
Genome position (GRCh38, 1-based): chr10:5,213,101, G>A. VCF-style: chr10-5213101-G-A. GRCh37 (hg19) VCF-style: chr10-5255064-G-A.
Other names: c.788G>A (NM_001818.3); short protein forms R263H.
Identifiers: ClinVar variation 2866902 (VCV002866902.6), dbSNP rs147757734, ClinGen allele CA5391592.
Genomic context (GRCh38, chr10:5,213,101, plus strand): 5'-CCTTAGCAAAGAAACACAAACAAACCCCAGCCCTGATTGCCCTGCGCTACCAGCTGCAGC[G>A]TGGGGTTGTGGTCCTGGCCAAGAGCTACAATGAGCAGCGGATCAGAGAGAACATCCAGGT-3'
Protein context (NP_001809.4, residues 253-273): ALIALRYQLQ[Arg263His]GVVVLAKSYN